The following is an entry in ClinVar:

NM_003690.5(PRKRA):c.515-2_515-1insAGAGAGAATATACTACAATTTGCAGGCTAGAGTCATTTATGGAAACT

Gene: PRKRA (protein activator of interferon induced protein kinase EIF2AK2; minus strand). Cytogenetic location: 2q31.2.
Variant type: Insertion.
Coding change: c.515-2_515-1insAGAGAGAATATACTACAATTTGCAGGCTAGAGTCATTTATGGAAACT on transcript NM_003690.5 (MANE Select); the canonical splice acceptor site of the intron before coding-DNA position 515, AGAGAGAATATACTACAATTTGCAGGCTAGAGTCATTTATGGAAACT inserted.
Molecular consequence: splice acceptor variant.
Genome position: GRCh38: chr2:178,441,705-178,441,706. GRCh37 (hg19): chr2:179,306,432-179,306,433.
Other names: c.176-2_176-1insAGAGAGAATATACTACAATTTGCAGGCTAGAGTCATTTATGGAAACT (NM_001316362.2); c.482-2_482-1insAGAGAGAATATACTACAATTTGCAGGCTAGAGTCATTTATGGAAACT (NM_001139517.1); c.440-2_440-1insAGAGAGAATATACTACAATTTGCAGGCTAGAGTCATTTATGGAAACT (NM_001139518.1).
Identifiers: ClinVar variation 4845618 (VCV004845618.1).

ClinVar aggregate classification (germline): Uncertain significance (1 of 4 stars; one submission).

Conditions:
Tinnitus with mild cognitive impairment (MCI).

Submission:

Meniere Disease Neuroscience Research Program, Faculty of Medicine and Health, Kolling Institute, The University of Sydney
Classification: Uncertain significance for Tinnitus with mild cognitive impairment (MCI). Last evaluated: 2020-09-01. Review status: criteria provided, single submitter. Criteria: ACMG Guidelines, 2015. Collection method: research. Allele origin: germline. Affected: yes.
Comment: The variant is predicted as a splice accepter variant in the PRKRA gene that has been found in 2 individuals of Non-Finnish European ancestry with tinnitus and associated mild cognitive decline. The variant is a short insertion of 48 bases which is rare and predicted to be high-confidence loss-of-function in gnomAD SNV v4.1. The variant is classified as a variant of uncertain significance (VUS), based on the ACMG/AMP criteria (PP3_Supporting, BP4_Supporting, PM2_Moderate, PVS1_Supporting).